The following is an entry in ClinVar:

NM_006267.5(RANBP2):c.432A>G (p.Glu144=)

Gene: RANBP2 (RAN binding protein 2; plus strand). Cytogenetic location: 2q13.
Variant type: single nucleotide variant.
Coding change: c.432A>G on transcript NM_006267.5 (MANE Select); coding-DNA position 432, A replaced by G.
Protein change: p.Glu144=; no amino-acid change (glutamic acid 144 retained).
Molecular consequence: synonymous variant.
Genome position (GRCh38, 1-based): chr2:108,735,558, A>G. VCF-style: chr2-108735558-A-G. GRCh37 (hg19) VCF-style: chr2-109352014-A-G.
Identifiers: ClinVar variation 469459 (VCV000469459.5), dbSNP rs915340430, ClinGen allele CA53430177.

ClinVar aggregate classification (germline): Uncertain significance (1 of 4 stars; one submission).

Conditions:
Familial acute necrotizing encephalopathy (IIAE3). Also called: Susceptibility to Acute Necrotizing Encephalopathy 1; ENCEPHALOPATHY, ACUTE, INFECTION-INDUCED, SUSCEPTIBILITY TO, 3. Identifiers: Orphanet 88619, MedGen C2675556, MONDO:0011953, OMIM 608033.

Allele frequency attached by ClinVar (database versions not stated): TOPMed below 0.00001; gnomAD exomes 0.00001.
gnomAD v4.1: 11 of 1,597,570 alleles (0.00069%); highest among the groups gnomAD compares: Non-Finnish European, 0.00093%; no homozygotes.

Submission:

Labcorp Genetics (formerly Invitae), Labcorp
Classification: Uncertain significance for Familial acute necrotizing encephalopathy. Last evaluated: 2021-08-05. Review status: criteria provided, single submitter. Criteria: Invitae Variant Classification Sherloc (09022015). Collection method: clinical testing. Allele origin: germline.
Comment: Algorithms developed to predict the effect of sequence changes on RNA splicing suggest that this variant may create or strengthen a splice site, but this prediction has not been confirmed by published transcriptional studies. In summary, the available evidence is currently insufficient to determine the role of this variant in disease. Therefore, it has been classified as a Variant of Uncertain Significance. This variant has not been reported in the literature in individuals with RANBP2-related disease. While this variant is not present in population databases, the frequency information is unreliable, as metrics indicate poor data quality at this position in the ExAC database. This sequence change affects codon 144 of the RANBP2 mRNA. It is a 'silent' change, meaning that it does not change the encoded amino acid sequence of the RANBP2 protein.